The following is an entry in ClinVar:

NM_000117.3(EMD):c.706G>A (p.Val236Met)

Gene: EMD (emerin; plus strand). Cytogenetic location: Xq28.
Variant type: single nucleotide variant.
Coding change: c.706G>A on transcript NM_000117.3 (MANE Select); coding-DNA position 706, G replaced by A.
Protein change: p.Val236Met; replaces valine 236 with methionine.
Molecular consequence: missense variant.
Genome position (GRCh38, 1-based): chrX:154,381,138, G>A. VCF-style: chrX-154381138-G-A. GRCh37 (hg19) VCF-style: chrX-153609498-G-A.
Other names: short protein forms V236M.
Identifiers: ClinVar variation 1925283 (VCV001925283.5), dbSNP rs782174448, ClinGen allele CA10561664.

ClinVar aggregate classification (germline): Uncertain significance (1 of 4 stars; one submission).

Conditions:
X-linked Emery-Dreifuss muscular dystrophy. Also called: Muscular dystrophy, tardive Emery-Dreifuss type, with contractures. Identifiers: Orphanet 261, Orphanet 98863, MedGen C0751337, MONDO:0010680.

Allele frequency attached by ClinVar (database versions not stated): ExAC 0.00001; gnomAD exomes 0.00001.
gnomAD v4.1: 14 of 1,211,856 alleles (0.0012%); highest among the groups gnomAD compares: Non-Finnish European, 0.0016%; no homozygotes.

Submission:

Labcorp Genetics (formerly Invitae), Labcorp
Classification: Uncertain significance for X-linked Emery-Dreifuss muscular dystrophy. Last evaluated: 2023-01-13. Review status: criteria provided, single submitter. Criteria: Invitae Variant Classification Sherloc (09022015). Collection method: clinical testing. Allele origin: germline.
Comment: In summary, the available evidence is currently insufficient to determine the role of this variant in disease. Therefore, it has been classified as a Variant of Uncertain Significance. Advanced modeling of protein sequence and biophysical properties (such as structural, functional, and spatial information, amino acid conservation, physicochemical variation, residue mobility, and thermodynamic stability) performed at Invitae indicates that this missense variant is not expected to disrupt EMD protein function. This sequence change replaces valine, which is neutral and non-polar, with methionine, which is neutral and non-polar, at codon 236 of the EMD protein (p.Val236Met). This variant is present in population databases (rs782174448, gnomAD 0.001%). This variant has not been reported in the literature in individuals affected with EMD-related conditions.